The following is an entry in ClinVar:

NC_000023.11:g.(?_22007157)_(22038537_?)del

Gene: PHEX (phosphate regulating endopeptidase X-linked; plus strand). Cytogenetic location: Xp22.11.
Variant type: Deletion.
Identifiers: ClinVar variation 830617 (VCV000830617.1).

ClinVar aggregate classification (germline): Pathogenic (1 of 4 stars; one submission).

Submission:

Labcorp Genetics (formerly Invitae), Labcorp
Classification: Pathogenic. Last evaluated: 2019-09-05. Review status: criteria provided, single submitter. Criteria: Invitae Variant Classification Sherloc (09022015). Collection method: clinical testing. Allele origin: germline.
Comment: This variant is a gross deletion of the genomic region encompassing exons 1-2 of the PHEX gene, which includes the initiator codon. The 5' end of this event is unknown as it extends beyond the assayed region for this gene and therefore may encompass additional genes. The 3' boundary is likely confined to intron 2 of the PHEX gene. This is expected to result in an absent or disrupted protein product. Loss-of-function variants in PHEX are known to be pathogenic (PMID: 9097956, 9106524, 19219621). For these reasons, this variant has been classified as Pathogenic.